The following is an entry in ClinVar:

ClinVar aggregate classification (germline): Uncertain significance (1 of 4 stars; one submission).

Submission:

ISCA site 4
Classification: Uncertain significance. Last evaluated: 2011-08-12. Review status: criteria provided, single submitter. Criteria: Kaminsky et al. (Genet Med. 2011). Collection method: clinical testing. Allele origin: unknown. Affected: yes. Observed: 1 variant allele.
Comment: Copy number variation identified through the course of routine clinical cytogenomic testing in postnatal populations. Clinical assertions have been curated as described in Kaminsky et al. 2011.

GRCh38/hg38 11q13.4(chr11:73403238-73935284)x3

Genes: COA4 (cytochrome c oxidase assembly factor 4 homolog; minus strand), FAM168A (family with sequence similarity 168 member A; minus strand), MRPL48 (mitochondrial ribosomal protein L48; plus strand), PAAF1 (proteasomal ATPase associated factor 1; plus strand), PLEKHB1 (pleckstrin homology domain containing B1; plus strand) and 18 more. Cytogenetic location: 11q13.4.
Variant type: copy number gain.
Change: copy number 3 (three copies instead of two) of chr11:73,403,238-73,935,284 (532.0 kb, GRCh38 coordinates, 1-based), cytogenetic band 11q13.4.
Identifiers: ClinVar variation 58165 (VCV000058165.1).